The following is an entry in ClinVar:

ClinVar aggregate classification (germline): Uncertain significance (1 of 4 stars; one submission).

Allele frequency attached by ClinVar (database versions not stated): gnomAD exomes below 0.00001.
gnomAD v4.1: 1 of 1,614,044 alleles (0.000062%); highest among the groups gnomAD compares: Non-Finnish European, 0.000085%; no homozygotes.

Submission:

Laboratory for Molecular Medicine, Mass General Brigham Personalized Medicine
Classification: Uncertain significance. Last evaluated: 2014-08-07. Review status: criteria provided, single submitter. Criteria: LMM Criteria. Collection method: clinical testing. Allele origin: germline. Observed: 1 variant allele.
Comment: The Leu512Pro variant in MYBPC3 has not been previously reported in individuals with cardiomyopathy or in large population studies. Computational prediction too ls and conservation analysis do not provide strong support for or against an imp act to the protein. In summary, the clinical significance of the Leu512Pro varia nt is uncertain.

NM_000256.3(MYBPC3):c.1535T>C (p.Leu512Pro)

Gene: MYBPC3 (myosin binding protein C3; minus strand). Cytogenetic location: 11p11.2.
Variant type: single nucleotide variant.
Coding change: c.1535T>C on transcript NM_000256.3 (MANE Select); coding-DNA position 1535, T replaced by C.
Protein change: p.Leu512Pro; replaces leucine 512 with proline.
Molecular consequence: missense variant.
Genome position (GRCh38, 1-based): chr11:47,342,667, A>G on the plus strand (T>C on the coding strand, the complement: MYBPC3 is on the minus strand). VCF-style: chr11-47342667-A-G. GRCh37 (hg19) VCF-style: chr11-47364218-A-G.
Other names: short protein forms L512P.
Identifiers: ClinVar variation 164111 (VCV000164111.4), dbSNP rs397515909, ClinGen allele CA010583.